The following is an entry in ClinVar:

ClinVar aggregate classification (germline): Uncertain significance (1 of 4 stars; one submission).

Conditions:
Cardiovascular phenotype. Identifiers: MedGen CN230736.

Submission:

Ambry Genetics
Classification: Uncertain significance for Cardiovascular phenotype. Last evaluated: 2024-10-19. Review status: criteria provided, single submitter. Criteria: Ambry Variant Classification Scheme 2023. Collection method: clinical testing. Allele origin: germline.
Comment: The p.T262I variant (also known as c.785C>T), located in coding exon 8 of the ANK2 gene, results from a C to T substitution at nucleotide position 785. The threonine at codon 262 is replaced by isoleucine, an amino acid with similar properties. This amino acid position is conserved. In addition, the in silico prediction for this alteration is inconclusive. Based on the available evidence, the clinical significance of this variant remains unclear.

NM_001148.6(ANK2):c.785C>T (p.Thr262Ile)

Gene: ANK2 (ankyrin 2; plus strand). Cytogenetic location: 4q26.
Variant type: single nucleotide variant.
Coding change: c.785C>T on transcript NM_001148.6 (MANE Select); coding-DNA position 785, C replaced by T.
Protein change: p.Thr262Ile; replaces threonine 262 with isoleucine.
Molecular consequence: missense variant.
Genome position (GRCh38, 1-based): chr4:113,240,576, C>T. VCF-style: chr4-113240576-C-T. GRCh37 (hg19) VCF-style: chr4-114161732-C-T.
Other names: c.722C>T, p.Thr241Ile (NM_001127493.3, NM_001354239.2, NM_001354243.2 and 14 more transcripts); c.785C>T, p.Thr262Ile (NM_001354225.2, NM_001354228.2, NM_001354232.2 and 9 more transcripts); c.830C>T, p.Thr277Ile (NM_001354230.2, NM_001354231.2, NM_001354237.2 and 5 more transcripts); c.698C>T, p.Thr233Ile (NM_001354249.2, NM_001354260.2, NM_001354264.2 and 16 more transcripts); c.743C>T, p.Thr248Ile (NM_001354261.2, NM_001386147.1, NM_001386160.1); c.773C>T, p.Thr258Ile (NM_001354269.3, NM_001386148.2, NM_001386186.2); c.836C>T, p.Thr279Ile (NM_001386174.1); c.812C>T, p.Thr271Ile (NM_001386175.1); and 1 more; short protein forms T233I, T277I, T262I, T279I, T248I, T271I, T241I, T250I.
Identifiers: ClinVar variation 3539823 (VCV003539823.1).